The following is an entry in ClinVar:

ClinVar aggregate classification (germline): Uncertain significance. Review status: criteria provided, multiple submitters, no conflicts (2 of 4 stars). 2 submissions from 2 submitters: Uncertain significance (2). Last evaluated 2024-03-23.

Conditions:
Inborn genetic diseases. Identifiers: MedGen C0950123, MeSH D030342.

Allele frequency attached by ClinVar (database versions not stated): ExAC 0.00003; gnomAD 0.00003; gnomAD exomes 0.00004; TOPMed 0.00005.
gnomAD v4.1: 60 of 1,614,086 alleles (0.0037%); highest among the groups gnomAD compares: Non-Finnish European, 0.0047%; no homozygotes.

Submissions (2):

Labcorp Genetics (formerly Invitae), Labcorp
Classification: Uncertain significance. Last evaluated: 2024-03-23. Review status: criteria provided, single submitter. Criteria: Invitae Variant Classification Sherloc (09022015). Collection method: clinical testing. Allele origin: germline.
Comment: This sequence change replaces serine, which is neutral and polar, with cysteine, which is neutral and slightly polar, at codon 226 of the MLPH protein (p.Ser226Cys). This variant is present in population databases (rs768370444, gnomAD 0.008%). This variant has not been reported in the literature in individuals affected with MLPH-related conditions. An algorithm developed to predict the effect of missense changes on protein structure and function (PolyPhen-2) suggests that this variant is likely to be tolerated. Algorithms developed to predict the effect of sequence changes on RNA splicing suggest that this variant may disrupt the consensus splice site. In summary, the available evidence is currently insufficient to determine the role of this variant in disease. Therefore, it has been classified as a Variant of Uncertain Significance.

Ambry Genetics
Classification: Uncertain significance for Inborn genetic diseases. Last evaluated: 2024-03-21. Review status: criteria provided, single submitter. Criteria: Ambry Variant Classification Scheme 2023. Collection method: clinical testing. Allele origin: germline.

NM_024101.7(MLPH):c.677C>G (p.Ser226Cys)

Gene: MLPH (melanophilin; plus strand). Cytogenetic location: 2q37.3.
Variant type: single nucleotide variant.
Coding change: c.677C>G on transcript NM_024101.7 (MANE Select); coding-DNA position 677, C replaced by G.
Protein change: p.Ser226Cys; replaces serine 226 with cysteine.
Molecular consequence: missense variant. On other transcripts: non-coding transcript variant (1), intron variant (1).
Genome position (GRCh38, 1-based): chr2:237,525,602, C>G. VCF-style: chr2-237525602-C-G. GRCh37 (hg19) VCF-style: chr2-238434245-C-G.
Other names: c.677C>G, p.Ser226Cys (NM_001042467.3); c.557C>G, p.Ser186Cys (NM_001281473.2); c.675+5573C>G (NM_001281474.2); short protein forms S186C, S226C.
Identifiers: ClinVar variation 2965119 (VCV002965119.4), dbSNP rs768370444, ClinGen allele CA2190320.